The following is an entry in ClinVar:

ClinVar aggregate classification (germline): Pathogenic/Likely pathogenic. Review status: criteria provided, multiple submitters, no conflicts (2 of 4 stars). 2 submissions from 2 submitters: Pathogenic (1); Likely pathogenic (1). Last evaluated 2026-03-05.

Conditions:
Primary ciliary dyskinesia. Also called: Ciliary dyskinesia. Identifiers: Orphanet 244, MedGen C0008780, MONDO:0016575, HP:0012265.
DNAAF2-related disorder. Also called: DNAAF2-related condition.

Submissions (2):

PreventionGenetics, part of Exact Sciences
Classification: Likely pathogenic for DNAAF2-related condition. Last evaluated: 2026-03-05. Review status: criteria provided, single submitter. Criteria: ACMG Guidelines, 2015. Collection method: clinical testing. Allele origin: germline.
Comment: The DNAAF2 c.650delC variant is predicted to result in a frameshift and premature protein termination (p.Pro217Argfs*68). To our knowledge, this variant has not been reported in the literature. This variant is reported in 0.0061% of alleles in individuals of Latino descent in gnomAD. Frameshift variants in DNAAF2 are expected to be pathogenic. This variant is interpreted as likely pathogenic.

Labcorp Genetics (formerly Invitae), Labcorp
Classification: Pathogenic for Primary ciliary dyskinesia. Last evaluated: 2024-03-04. Review status: criteria provided, single submitter. Criteria: Invitae Variant Classification Sherloc (09022015). Collection method: clinical testing. Allele origin: germline.
Comment: This sequence change creates a premature translational stop signal (p.Pro217Argfs*68) in the DNAAF2 gene. It is expected to result in an absent or disrupted protein product. Loss-of-function variants in DNAAF2 are known to be pathogenic (PMID: 19052621, 24498942). This variant is present in population databases (no rsID available, gnomAD 0.006%). This variant has not been reported in the literature in individuals affected with DNAAF2-related conditions. ClinVar contains an entry for this variant (Variation ID: 2135585). For these reasons, this variant has been classified as Pathogenic.

Literature cited by the submitters: PubMed 19052621 (cited by Labcorp Genetics (formerly Invitae), Labcorp); PubMed 24498942 (cited by Labcorp Genetics (formerly Invitae), Labcorp).

NM_018139.3(DNAAF2):c.650del (p.Pro217fs)

Gene: DNAAF2 (dynein axonemal assembly factor 2; minus strand). Cytogenetic location: 14q21.3.
Variant type: Deletion.
Coding change: c.650del on transcript NM_018139.3 (MANE Select); coding-DNA position 650, one base deleted (C; older notation c.650delC).
Protein change: p.Pro217fs; shifts the reading frame from proline 217.
Molecular consequence: frameshift variant.
Genome position (GRCh38, 1-based): chr14:49,634,500, G deleted on the plus strand (C on the coding strand, the reverse complement: DNAAF2 is on the minus strand); the first of 2 consecutive G bases (chr14:49,634,500-49,634,501); deleting either gives the same sequence. VCF-style (leftmost placement, unchanged base first): chr14-49634499-CG-C. GRCh37 (hg19) VCF-style: chr14-50101217-CG-C.
Other names: c.650del, p.Pro217fs (NM_001083908.2); c.650delC (NM_018139.2); short protein forms P217fs.
Identifiers: ClinVar variation 2135585 (VCV002135585.5), dbSNP rs1566513076, ClinGen allele CA614273712.